The following is an entry in ClinVar:

NM_002185.5(IL7R):c.361dup (p.Ile121fs)

Gene: IL7R (interleukin 7 receptor; plus strand). Cytogenetic location: 5p13.2.
Variant type: Duplication.
Coding change: c.361dup on transcript NM_002185.5 (MANE Select); coding-DNA position 361, one base duplicated (A; older notation c.361dupA).
Protein change: p.Ile121fs; shifts the reading frame from isoleucine 121.
Molecular consequence: frameshift variant. On other transcripts: non-coding transcript variant (1).
Genome position (GRCh38, 1-based): chr5:35,867,445, A duplicated; the last of 7 consecutive A bases (chr5:35,867,439-35,867,445); duplicating any one gives the same sequence. VCF-style (leftmost placement, unchanged base first): chr5-35867438-C-CA. GRCh37 (hg19) VCF-style: chr5-35867540-C-CA.
Other names: NM_002185.5(IL7R):c.361dup; p.Ile121fs; c.361dup (NM_002185.2, NM_002185.4, NM_002185.3); short protein forms I121fs.
Identifiers: ClinVar variation 224841 (VCV000224841.24), dbSNP rs869312857, ClinGen allele CA357950.

ClinVar aggregate classification (germline): Pathogenic. Review status: reviewed by expert panel (3 of 4 stars). 13 submissions from 13 submitters: Pathogenic (1). 12 of the submissions do not count toward it. Last evaluated 2023-11-14.

Conditions:
IL7R-related disorders.
Severe combined immunodeficiency disease. Also called: Severe combined immunodeficiency; Severe Combined Immune Deficiency. Identifiers: Orphanet 183660, MedGen C0085110, MeSH D016511, MONDO:0015974, HP:0004430. Inheritance: X-Linked or Autosomal recessive.
Multiple sclerosis, susceptibility to, 3 (MS3). Identifiers: MedGen C2675477, MONDO:0012957, OMIM 612595.
Immunodeficiency 104. Also called: Severe Combined Immune Deficiency, Autosomal Recessive, TCell -Negative, B Cell-Positive, NK Cell-Positive, IL7R-Related; Severe combined immunodeficiency, autosomal recessive, T cell-negative, B cell-positive, NK cell-positive; IMMUNODEFICIENCY 104, SEVERE COMBINED; SCID, AUTOSOMAL RECESSIVE, T CELL-NEGATIVE, B CELL-POSITIVE, NK CELL-POSITIVE. Identifiers: MedGen C5676890, MONDO:0012163, OMIM 608971.

Submissions (13):

ClinGen Severe Combined Immunodeficiency Variant Curation Expert Panel, ClinGen
Classification: Pathogenic for Immunodeficiency 104. Last evaluated: 2023-11-14. Review status: reviewed by expert panel. Criteria: ClinGen SCID ACMG Specifications IL7R V1.0.0. Collection method: curation. Allele origin: germline. Inheritance: Autosomal recessive inheritance.
Comment: The NM_002185.5(IL7R):c.361dup (p.Ile121AsnfsTer8) frameshift variant in exon 3 creates a premature stop codon in exon 4/5 (upstream of the final 50 nucleotides), which is predicted to lead to nonsense mediated decay in a gene in which loss-of-function is an established disease mechanism (PVS1). This variant has been reported in several SCID patients (PMIDs: 35503492, 24759676, 32765500, 28436970, 25046553), at least one of whom was reported with a highly specific phenotype; the diagnosis of SCID was made by criteria of the Primary Immune Deficiency Treatment Consortium in this patient with a T−BlowNK+ (0 CD3+ cells/mm, 300 B cells/mm3, 450 NK cells/mm3) lymphocyte subset profile (PMID: 35503492; PP4). The filtering allele frequency based on the European (non-Finnish) population (upper bound of 95% CI of 9/128422 observed alleles) is 0.00002867 in gnomAD v2.1.1 which is below the SCID-VCEP threshold (<0.00004129) and therefore meets this criterion (PM2_Supporting). In summary, this variant meets the criteria to be classified as Pathogenic for autosomal recessive SCID based on the ACMG/AMP criteria applied, as specified by the ClinGen SCID VCEP. Criteria applied: PVS1, PM2_supporting, PP4. (VCEP specifications version 1).

OLLIN Analises Genomicas, OLLIN
Classification: Pathogenic for Immunodeficiency 104. Last evaluated: 2026-08-06. Review status: criteria provided, single submitter. Criteria: ACMG Guidelines 2015 PMID 25741868. Collection method: clinical testing. Allele origin: germline. Inheritance: Autosomal recessive inheritance. Not counted in ClinVar's aggregate classification.
Comment: This frameshift variant, located in exon 3 (of 8), has been reported in ClinVar (accession VCV000224841.21), in gnomAD with an allele frequency of 0.0101%, and in the scientific literature in individuals with IL7R related disorders (PMID: 35503492). This variant causes a frameshift and introduces a premature stop codon, which is predicted to result in either a truncated protein or degradation of the mRNA via nonsense-mediated decay (NMD). According to the currently available evidence, this variant has been classified as pathogenic (PVS1, PM2_P, PP4).

Greenwood Genetic Center Diagnostic Laboratories, Greenwood Genetic Center
Classification: Pathogenic for Immunodeficiency 104. Last evaluated: 2026-06-18. Review status: criteria provided, single submitter. Criteria: ACMG Guidelines, 2015. Collection method: clinical testing. Allele origin: germline. Affected: yes. Not counted in ClinVar's aggregate classification.
Comment: PVS1, PM2_Supporting, PP4

Labcorp Genetics (formerly Invitae), Labcorp
Classification: Pathogenic for Immunodeficiency 104. Last evaluated: 2026-01-11. Review status: criteria provided, single submitter. Criteria: Invitae Variant Classification Sherloc (09022015). Collection method: clinical testing. Allele origin: germline. Not counted in ClinVar's aggregate classification.
Comment: This sequence change creates a premature translational stop signal (p.Ile121Asnfs*8) in the IL7R gene. It is expected to result in an absent or disrupted protein product. Loss-of-function variants in IL7R are known to be pathogenic (PMID: 21664875, 26123418). This variant is present in population databases (rs781000678, gnomAD 0.008%). This premature translational stop signal has been observed in individual(s) with clinical features of severe combined immunodeficiency (PMID: 24759676, 25046553). ClinVar contains an entry for this variant (Variation ID: 224841). For these reasons, this variant has been classified as Pathogenic.

GeneDx
Classification: Pathogenic. Last evaluated: 2025-03-25. Review status: criteria provided, single submitter. Criteria: GeneDx Variant Classification Process June 2021. Collection method: clinical testing. Allele origin: germline. Affected: yes. Not counted in ClinVar's aggregate classification.
Comment: Frameshift variant predicted to result in protein truncation or nonsense mediated decay in a gene for which loss of function is a known mechanism of disease; Also known as p.(I101Nfs*8); This variant is associated with the following publications: (PMID: 27577878, 26123418, 21664875, 32765500, 25046553, 35503492, 28436970, 24759676, 32576985)

Blueprint Genetics
Classification: Pathogenic for IL7R-related disorders. Last evaluated: 2024-09-20. Review status: criteria provided, single submitter. Criteria: ACMG Guidelines, 2015. Collection method: clinical testing. Allele origin: germline. Affected: yes. Observed: 3 variant alleles. Not counted in ClinVar's aggregate classification.

Fulgent Genetics
Classification: Pathogenic for Immunodeficiency 104. Last evaluated: 2024-03-19. Review status: criteria provided, single submitter. Criteria: ACMG Guidelines, 2015. Collection method: clinical testing. Allele origin: germline. Not counted in ClinVar's aggregate classification.

Genetic Services Laboratory, University of Chicago
Classification: Pathogenic. Last evaluated: 2023-12-14. Review status: criteria provided, single submitter. Criteria: ACMG Guidelines, 2015. Collection method: clinical testing. Allele origin: germline. Affected: yes. Not counted in ClinVar's aggregate classification.
Comment: DNA sequence analysis of the IL7R gene demonstrated a one base pair duplication in exon 3, c.361dup. This sequence change results in an amino acid frameshift and creates a premature stop codon 8 amino acids downstream of the change, p.Ile121Asnfs*8. This sequence change is predicted to result in an abnormal transcript, which may be degraded, or may lead to the production of a truncated IL7R protein with potentially abnormal function. This sequence change has been described in the gnomAD database with a frequency of 0.007% in the European (non-Finnish) subpopulation (dbSNP rs1250237683). This pathogenic sequence change has previously been described in the compound heterozygous state in several unrelated individuals with IL7R-related severe combined immunodeficiency (PMID: 25046553, 35503492, 27577878). Collectively, this evidence indicates that this sequence change is pathogenic.

Laboratorio de Genetica e Diagnostico Molecular, Hospital Israelita Albert Einstein
Classification: Pathogenic for Immunodeficiency 104. Last evaluated: 2023-06-27. Review status: criteria provided, single submitter. Criteria: ACMG Guidelines, 2015. Collection method: clinical testing. Allele origin: germline. Affected: yes. Not counted in ClinVar's aggregate classification.
Comment: ACMG classification criteria: PVS1 very strong, PM2 supporting, PM3 strong

Women's Health and Genetics/Laboratory Corporation of America, LabCorp
Classification: Pathogenic for Severe combined immunodeficiency disease. Last evaluated: 2022-02-11. Review status: criteria provided, single submitter. Criteria: LabCorp Variant Classification Summary - May 2015. Collection method: clinical testing. Allele origin: germline. Not counted in ClinVar's aggregate classification.
Comment: Variant summary: IL7R c.361dupA (p.Ile121AsnfsX8) results in a premature termination codon, predicted to cause a truncation of the encoded protein or absence of the protein due to nonsense mediated decay, which are commonly known mechanisms for disease. Truncations downstream of this position have been classified as pathogenic by our laboratory. The variant allele was found at a frequency of 3.6e-05 in 249940 control chromosomes (gnomAD). The variant, c.361dupA, has been reported in the literature in multiple compound heterozygous individuals affected with Severe Combined Immunodeficiency (e.g. Bayer_2014, Zago_2014, Dvorak_2017, Stray-Pedersen_2017 and Kwok_2020). These data indicate that the variant is very likely to be associated with disease. To our knowledge, no experimental evidence demonstrating an impact on protein function has been reported. Four clinical diagnostic laboratories have submitted clinical-significance assessments for this variant to ClinVar after 2014 and classified the variant as pathogenic (n=3) or likely pathogenic (n=1). Based on the evidence outlined above, the variant was classified as pathogenic.

Department of Molecular and Human Genetics, Baylor College of Medicine
Classification: Pathogenic for Immunodeficiency 104. Last evaluated: 2020-04-16. Review status: criteria provided, single submitter. Criteria: ACMG Guidelines, 2015. Collection method: clinical testing. Allele origin: inherited. Affected: yes. Observed: 1 heterozygote. Not counted in ClinVar's aggregate classification.

Baylor Genetics
Classification: Pathogenic for Multiple sclerosis, susceptibility to, 3. Last evaluated: 2018-03-08. Review status: criteria provided, single submitter. Criteria: ACMG Guidelines, 2015. Collection method: clinical testing. Allele origin: paternal. Affected: yes. Not counted in ClinVar's aggregate classification.
Comment: This variant was determined to be pathogenic according to ACMG Guidelines, 2015 [PMID:25741868].

Lupski Lab, Baylor-Hopkins CMG, Baylor College of Medicine
Classification: Pathogenic for Immunodeficiency 104. Last evaluated: 2014-07-16. Review status: criteria provided, single submitter. Criteria: Bayer et al. (Clin Exp Immunol 2014). Collection method: research. Allele origin: inherited. Inheritance: Autosomal recessive inheritance. Affected: yes and no. Observed: 2 variant alleles, 1 heterozygote, 1 compound heterozygote. Not counted in ClinVar's aggregate classification.
Comment: segregates with the phenotype in an affected family

Literature cited by the submitters: PubMed 35503492 (cited by OLLIN Analises Genomicas, OLLIN); PubMed 21664875 (cited by Labcorp Genetics (formerly Invitae), Labcorp); PubMed 26123418 (cited by Labcorp Genetics (formerly Invitae), Labcorp); PubMed 24759676 (cited by Labcorp Genetics (formerly Invitae), Labcorp and Women's Health and Genetics/Laboratory Corporation of America, LabCorp); PubMed 25046553 (cited by Labcorp Genetics (formerly Invitae), Labcorp and Women's Health and Genetics/Laboratory Corporation of America, LabCorp); PubMed 27577878 (cited by Women's Health and Genetics/Laboratory Corporation of America, LabCorp); PubMed 28436970 (cited by Women's Health and Genetics/Laboratory Corporation of America, LabCorp); PubMed 32765500 (cited by Women's Health and Genetics/Laboratory Corporation of America, LabCorp); PubMed 32576985 (cited by Department of Molecular and Human Genetics, Baylor College of Medicine).